The following is an entry in ClinVar:

NM_024408.4(NOTCH2):c.6937_6939del (p.Gly2313del)

Gene: NOTCH2 (notch receptor 2; minus strand). Cytogenetic location: 1p12.
Variant type: Deletion.
Coding change: c.6937_6939del on transcript NM_024408.4 (MANE Select); coding-DNA positions 6937 to 6939, 3 bases deleted (GGC; older notation c.6937_6939delGGC).
Protein change: p.Gly2313del; deletes glycine 2313.
Molecular consequence: inframe deletion.
Genome position (GRCh38, 1-based): chr1:119,915,783-119,915,785, GCC deleted on the plus strand (GGC on the coding strand, the reverse complement: NOTCH2 is on the minus strand). VCF-style (leftmost placement, unchanged base first): chr1-119915782-TGCC-T. GRCh37 (hg19) VCF-style: chr1-120458405-TGCC-T.
Other names: short protein forms G2313del.
Identifiers: ClinVar variation 4982625 (VCV004982625.1).

ClinVar aggregate classification (germline): Uncertain significance (1 of 4 stars; one submission).

Conditions:
NOTCH2-related disorder. Also called: NOTCH2-related condition.

Submission:

PreventionGenetics, part of Exact Sciences
Classification: Uncertain significance for NOTCH2-related condition. Last evaluated: 2026-02-03. Review status: criteria provided, single submitter. Criteria: ACMG Guidelines, 2015. Collection method: clinical testing. Allele origin: germline.
Comment: The NOTCH2 c.6937_6939delGGC variant is predicted to result in an in-frame deletion (p.Gly2313del). To our knowledge, this variant has not been reported in the literature or in a large population database (gnomAD), indicating this variant is rare. At this time, the clinical significance of this variant is uncertain due to the absence of conclusive functional and genetic evidence.